The following is an entry in ClinVar:

NM_000038.6(APC):c.3902C>T (p.Thr1301Ile)

Gene: APC (APC regulator of Wnt signaling pathway; plus strand). Cytogenetic location: 5q22.2.
Variant type: single nucleotide variant.
Coding change: c.3902C>T on transcript NM_000038.6 (MANE Select); coding-DNA position 3902, C replaced by T.
Protein change: p.Thr1301Ile; replaces threonine 1301 with isoleucine.
Molecular consequence: missense variant.
Genome position (GRCh38, 1-based): chr5:112,839,496, C>T. VCF-style: chr5-112839496-C-T. GRCh37 (hg19) VCF-style: chr5-112175193-C-T.
Other names: c.3902C>T, p.Thr1301Ile (NM_001127510.3, NM_001354895.2); c.3848C>T, p.Thr1283Ile (NM_001127511.3); c.3956C>T, p.Thr1319Ile (NM_001354896.2); c.3932C>T, p.Thr1311Ile (NM_001354897.2); c.3827C>T, p.Thr1276Ile (NM_001354898.2); c.3818C>T, p.Thr1273Ile (NM_001354899.2); c.3779C>T, p.Thr1260Ile (NM_001354900.2); c.3725C>T, p.Thr1242Ile (NM_001354901.2); and 5 more; short protein forms T1273I, T1301I, T1200I, T1210I, T1242I, T1283I, T1276I, T1311I.
Identifiers: ClinVar variation 824365 (VCV000824365.21), dbSNP rs781535021, ClinGen allele CA16029897.

ClinVar aggregate classification (germline): Conflicting classifications of pathogenicity. Review status: criteria provided, conflicting classifications (1 of 4 stars). 4 submissions from 4 submitters: Uncertain significance (3); Likely benign (1). Last evaluated 2025-12-03.

Conditions:
Classic or attenuated familial adenomatous polyposis. Identifiers: MedGen CN372698, MONDO:0021057.
Hereditary cancer-predisposing syndrome. Also called: Neoplastic Syndromes, Hereditary; Tumor predisposition; Hereditary neoplastic syndrome; Hereditary Cancer Syndrome. Identifiers: Orphanet 140162, MedGen C0027672, MeSH D009386, MONDO:0015356.
Familial adenomatous polyposis 1 (FAP1). Also called: POLYPOSIS, ADENOMATOUS INTESTINAL; FAMILIAL ADENOMATOUS POLYPOSIS 1, ATTENUATED. Identifiers: MedGen C2713442, MONDO:0021056, OMIM 175100. Disease mechanism: loss of function.

Allele frequency attached by ClinVar (database versions not stated): gnomAD 0.00001.

Submissions (4):

Labcorp Genetics (formerly Invitae), Labcorp
Classification: Uncertain significance for Familial adenomatous polyposis 1. Last evaluated: 2025-12-03. Review status: criteria provided, single submitter. Criteria: Invitae Variant Classification Sherloc (09022015). Collection method: clinical testing. Allele origin: germline.
Comment: This sequence change replaces threonine, which is neutral and polar, with isoleucine, which is neutral and non-polar, at codon 1301 of the APC protein (p.Thr1301Ile). This variant is present in population databases (no rsID available, gnomAD 0.007%). This variant has not been reported in the literature in individuals affected with APC-related conditions. ClinVar contains an entry for this variant (Variation ID: 824365). Invitae Evidence Modeling of protein sequence and biophysical properties (such as structural, functional, and spatial information, amino acid conservation, physicochemical variation, residue mobility, and thermodynamic stability) indicates that this missense variant is not expected to disrupt APC protein function with a negative predictive value of 95%. In summary, the available evidence is currently insufficient to determine the role of this variant in disease. Therefore, it has been classified as a Variant of Uncertain Significance.

Color Diagnostics, LLC DBA Color Health
Classification: Uncertain significance for Hereditary cancer-predisposing syndrome. Last evaluated: 2024-03-07. Review status: criteria provided, single submitter. Criteria: ACMG Guidelines, 2015. Collection method: clinical testing. Allele origin: germline.
Comment: This missense variant replaces threonine with isoleucine at codon 1301 of the APC protein. Computational prediction suggests that this variant may not impact protein structure and function (internally defined REVEL score threshold <= 0.5, PMID: 27666373). To our knowledge, functional studies have not been reported for this variant. This variant has not been reported in individuals affected with APC-related disorders in the literature. This variant has been identified in 2/250960 chromosomes in the general population by the Genome Aggregation Database (gnomAD). The available evidence is insufficient to determine the role of this variant in disease conclusively. Therefore, this variant is classified as a Variant of Uncertain Significance.

All of Us Research Program, National Institutes of Health
Classification: Uncertain significance for Classic or attenuated familial adenomatous polyposis. Last evaluated: 2023-06-26. Review status: criteria provided, single submitter. Criteria: ACMG Guidelines, 2015. Collection method: clinical testing. Allele origin: germline. Inheritance: Autosomal dominant inheritance. Observed: 2 variant alleles, 2 heterozygotes.
Comment: This missense variant replaces threonine with isoleucine at codon 1301 of the APC protein. Computational prediction suggests that this variant may not impact protein structure and function (internally defined REVEL score threshold <= 0.5, PMID: 27666373). Splice site prediction tools suggest that this variant may not impact RNA splicing. To our knowledge, functional studies have not been performed for this variant. This variant has not been reported in individuals affected with hereditary cancer in the literature. This variant has been identified in 2/250960 chromosomes in the general population by the Genome Aggregation Database (gnomAD). The available evidence is insufficient to determine the role of this variant in disease conclusively. Therefore, this variant is classified as a Variant of Uncertain Significance.

This study involves interpretation of variants in research participants for the purpose of population health screening. Participant phenotype was not available at the time of variant classification. Additional details can be found in publication PMID: 35346344, PMCID: PMC8962531

Ambry Genetics
Classification: Likely benign for Hereditary cancer-predisposing syndrome. Last evaluated: 2022-02-04. Review status: criteria provided, single submitter. Criteria: Ambry Variant Classification Scheme 2023. Collection method: clinical testing. Allele origin: germline.